The following is an entry in ClinVar:

NC_000009.11:g.(94060359_94087599)_(94087687_94118164)del

Gene: AUH (AU RNA binding methylglutaconyl-CoA hydratase; minus strand). Cytogenetic location: 9q22.31.
Variant type: Deletion.
Identifiers: ClinVar variation 2691441 (VCV002691441.1).

ClinVar aggregate classification (germline): Uncertain significance (1 of 4 stars; one submission).

Submission:

Women's Health and Genetics/Laboratory Corporation of America, LabCorp
Classification: Uncertain significance. Last evaluated: 2023-12-28. Review status: criteria provided, single submitter. Criteria: LabCorp Variant Classification Summary - May 2015. Collection method: clinical testing. Allele origin: germline.
Comment: Variant summary: The variant involves the deletion of exon 4 in the AUH gene. A presumed nomenclature of c.(418+1_419-1)_(505+1_506-1)del has been designated for the purposes of this classification. Although exact breakpoints of this deletion are not known, it is expected to result in an in-frame deletion of 29 amino acids in the AUH gene. The variant was absent in 21694 control chromosomes (gnomAD, Structural Variants Dataset). The available data on variant occurrences in the general population are insufficient to allow any conclusion about variant significance. To our knowledge, no occurrence of c.(418+1_419-1)_(505+1_506-1)del in individuals affected with 3-Methylglutaconic Aciduria Type 1 and no experimental evidence demonstrating its impact on protein function have been reported. No submitters have cited clinical-significance assessments for this variant to ClinVar after 2014. Based on the evidence outlined above, the variant was classified as uncertain significance.